The following is an entry in ClinVar:

NM_003672.4(CDC14A):c.903T>C (p.His301=)

Gene: CDC14A (cell division cycle 14A; plus strand). Cytogenetic location: 1p21.2.
Variant type: single nucleotide variant.
Coding change: c.903T>C on transcript NM_003672.4 (MANE Select); coding-DNA position 903, T replaced by C.
Protein change: p.His301=; no amino-acid change (histidine 301 retained).
Molecular consequence: synonymous variant.
Genome position (GRCh38, 1-based): chr1:100,468,020, T>C. VCF-style: chr1-100468020-T-C. GRCh37 (hg19) VCF-style: chr1-100933576-T-C.
Other names: p.His301=; c.903T>C, p.His301= (NM_001319210.2, NM_033312.3, NM_033313.3); c.729T>C, p.His243= (NM_001319211.2); c.24T>C, p.His8= (NM_001319212.2); c.903T>C (NM_033312.2).
Identifiers: ClinVar variation 517534 (VCV000517534.14), dbSNP rs17122597, ClinGen allele CA970727.

ClinVar aggregate classification (germline): Benign. Review status: criteria provided, multiple submitters, no conflicts (2 of 4 stars). 5 submissions from 5 submitters: Benign (5). Last evaluated 2026-02-01.

Allele frequency attached by ClinVar (database versions not stated): gnomAD 0.05859; 1000 Genomes Project 0.06030; 1000 Genomes Project 30x 0.06246; TOPMed 0.06548; ESP Exome Variant Server 0.06912; gnomAD exomes 0.00576 and 0.01544; ExAC 0.01889.
gnomAD v4.1: 17,792 of 1,613,124 alleles (1.1%); highest among the groups gnomAD compares: African/African-American, 20%; 1,620 homozygotes.

Submissions (5):

Labcorp Genetics (formerly Invitae), Labcorp
Classification: Benign. Last evaluated: 2026-02-01. Review status: criteria provided, single submitter. Criteria: Invitae Variant Classification Sherloc (09022015). Collection method: clinical testing. Allele origin: germline.

Mayo Clinic Laboratories, Mayo Clinic
Classification: Benign. Last evaluated: 2022-04-17. Review status: criteria provided, single submitter. Criteria: ACMG Guidelines, 2015. Collection method: clinical testing. Allele origin: germline. Observed: 5 variant alleles.

GeneDx
Classification: Benign. Last evaluated: 2017-10-05. Review status: criteria provided, single submitter. Criteria: GeneDx Variant Classification (06012015). Collection method: clinical testing. Allele origin: germline. Affected: yes.
Comment: This variant is considered likely benign or benign based on one or more of the following criteria: it is a conservative change, it occurs at a poorly conserved position in the protein, it is predicted to be benign by multiple in silico algorithms, and/or has population frequency not consistent with disease.

Laboratory for Molecular Medicine, Mass General Brigham Personalized Medicine
Classification: Benign. Last evaluated: 2017-08-23. Review status: criteria provided, single submitter. Criteria: LMM Criteria. Collection method: clinical testing. Allele origin: germline. Observed: 15 variant alleles.
Comment: p.His301His in exon 10 of CDC14A: This variant is not expected to have clinical significance because it does not alter an amino acid residue, is not located wit hin the splice consensus sequence, and has been identified in 20.33% (2115/10404 ) of African chromosomes by the Exome Aggregation Consortium (ExAC.; dbSNP rs17122597).

Breakthrough Genomics
Classification: Benign. Review status: criteria provided, single submitter. Criteria: ACMG Guidelines, 2015. Collection method: not provided. Allele origin: germline. Inheritance: Autosomal recessive inheritance. Affected: yes.